The following is an entry in ClinVar:

ClinVar aggregate classification (germline): Uncertain significance (1 of 4 stars; one submission).

Conditions:
Intellectual disability, autosomal recessive 53 (NEDHSCA). Also called: GLYCOSYLPHOSPHATIDYLINOSITOL BIOSYNTHESIS DEFECT 13; Mental retardation, autosomal recessive 53; NEURODEVELOPMENTAL DISORDER WITH OR WITHOUT HYPOTONIA, SEIZURES, AND CEREBELLAR ATROPHY. Identifiers: Orphanet 488635, MedGen C4310794, MONDO:0014832, OMIM 616917.

gnomAD v4.1: 1 of 1,613,842 alleles (0.000062%); highest among the groups gnomAD compares: Non-Finnish European, 0.000085%; no homozygotes.

Submission:

Labcorp Genetics (formerly Invitae), Labcorp
Classification: Uncertain significance for Intellectual disability, autosomal recessive 53. Last evaluated: 2023-07-17. Review status: criteria provided, single submitter. Criteria: Invitae Variant Classification Sherloc (09022015). Collection method: clinical testing. Allele origin: germline.
Comment: This variant has not been reported in the literature in individuals affected with PIGG-related conditions. This variant is not present in population databases (gnomAD no frequency). This sequence change replaces serine, which is neutral and polar, with alanine, which is neutral and non-polar, at codon 406 of the PIGG protein (p.Ser406Ala). ClinVar contains an entry for this variant (Variation ID: 2124676). In summary, the available evidence is currently insufficient to determine the role of this variant in disease. Therefore, it has been classified as a Variant of Uncertain Significance. Advanced modeling of protein sequence and biophysical properties (such as structural, functional, and spatial information, amino acid conservation, physicochemical variation, residue mobility, and thermodynamic stability) performed at Invitae indicates that this missense variant is not expected to disrupt PIGG protein function.

NM_001127178.3(PIGG):c.1216T>G (p.Ser406Ala)

Gene: PIGG (phosphatidylinositol glycan anchor biosynthesis class G (EMM blood group); plus strand). Cytogenetic location: 4p16.3.
Variant type: single nucleotide variant.
Coding change: c.1216T>G on transcript NM_001127178.3 (MANE Select); coding-DNA position 1216, T replaced by G.
Protein change: p.Ser406Ala; replaces serine 406 with alanine.
Molecular consequence: missense variant. On other transcripts: 5 prime UTR variant (2), non-coding transcript variant (10), intron variant (1).
Genome position (GRCh38, 1-based): chr4:521,157, T>G. VCF-style: chr4-521157-T-G. GRCh37 (hg19) VCF-style: chr4-514946-T-G.
Other names: c.949T>G, p.Ser317Ala (NM_001289051.2, NM_001289053.2, NM_001345986.2 and 1 more transcripts); c.817T>G, p.Ser273Ala (NM_001289052.2); c.850T>G, p.Ser284Ala (NM_001289055.2); c.187T>G, p.Ser63Ala (NM_001345988.2); c.1216T>G, p.Ser406Ala (NM_001345989.2, NM_017733.5); c.-272T>G (NM_001345990.2, NM_001345991.2); c.142T>G, p.Ser48Ala (NM_001345994.2); c.848-503T>G (NM_001289057.2); short protein forms S317A, S273A, S48A, S63A, S284A, S406A.
Identifiers: ClinVar variation 2124676 (VCV002124676.4), dbSNP rs2474872899, ClinGen allele CA355903845.